The following is an entry in ClinVar:

ClinVar aggregate classification (germline): Uncertain significance (1 of 4 stars; one submission).

Allele frequency attached by ClinVar (database versions not stated): TOPMed 0.00017; ESP Exome Variant Server 0.00028; gnomAD 0.00028 and 0.00032; gnomAD exomes 0.00010; ExAC 0.00015.

Submission:

GeneDx
Classification: Uncertain significance. Last evaluated: 2016-09-07. Review status: criteria provided, single submitter. Criteria: GeneDx Variant Classification (06012015). Collection method: clinical testing. Allele origin: germline. Affected: yes.
Comment: The T241M variant was not observed with anysignificant frequency in approximately 5,200 individuals of European and African American ancestry in theNHLBI Exome Sequencing Project, however this variant was observed in a male from this cohort. TheT241M variant is a non-conservative amino acid substitution, which is likely to impact secondary proteinstructure as these residues differ in polarity, charge, size and/or other properties. This substitution occurs at aposition that is not conserved across species. In silico analysis predicts this variant is probably damaging tothe protein structure/function. We interpret T241M as a variant of unknown significance

NM_000686.5(AGTR2):c.722C>T (p.Thr241Met)

Gene: AGTR2 (angiotensin II receptor type 2; plus strand). Cytogenetic location: Xq23.
Variant type: single nucleotide variant.
Coding change: c.722C>T on transcript NM_000686.5 (MANE Select); coding-DNA position 722, C replaced by T.
Protein change: p.Thr241Met; replaces threonine 241 with methionine.
Molecular consequence: missense variant.
Genome position (GRCh38, 1-based): chrX:116,173,002, C>T. VCF-style: chrX-116173002-C-T. GRCh37 (hg19) VCF-style: chrX-115304255-C-T.
Other names: short protein forms T241M.
Identifiers: ClinVar variation 377454 (VCV000377454.2), dbSNP rs147257964, ClinGen allele CA10497301.
Genomic context (GRCh38, chrX:116,173,002, plus strand): 5'-TTATCCCTTTAATATTCATAGCAACATGCTATTTTGGAATTAGAAAACACTTACTGAAGA[C>T]GAATAGCTATGGGAAGAACAGGATAACCCGTGACCAAGTCCTGAAGATGGCAGCTGCTGT-3'
Protein context (NP_000677.2, residues 231-251): YFGIRKHLLK[Thr241Met]NSYGKNRITR